The following is an entry in ClinVar:

NM_012154.5(AGO2):c.2035-8A>G

Gene: AGO2 (argonaute RISC catalytic component 2; minus strand). Cytogenetic location: 8q24.3.
Variant type: single nucleotide variant.
Coding change: c.2035-8A>G on transcript NM_012154.5 (MANE Select); 8 bases into the intron before coding-DNA position 2035, A replaced by G.
Molecular consequence: intron variant.
Genome position (GRCh38, 1-based): chr8:140,539,462, T>C on the plus strand (A>G on the coding strand, the complement: AGO2 is on the minus strand). VCF-style: chr8-140539462-T-C. GRCh37 (hg19) VCF-style: chr8-141549561-T-C.
Other names: c.2035-8A>G (NM_001164623.3).
Identifiers: ClinVar variation 2658860 (VCV002658860.24), dbSNP rs765648110, ClinGen allele CA4894212.

ClinVar aggregate classification (germline): Likely benign (1 of 4 stars; one submission).

Allele frequency attached by ClinVar (database versions not stated): ExAC 0.00001; gnomAD exomes 0.00001; TOPMed 0.00001; gnomAD 0.00002.
gnomAD v4.1: 12 of 1,608,202 alleles (0.00075%); highest among the groups gnomAD compares: Middle Eastern, 0.05%; no homozygotes.

Submission:

CeGaT Center for Human Genetics Tuebingen
Classification: Likely benign. Last evaluated: 2023-05-01. Review status: criteria provided, single submitter. Criteria: CeGaT Center For Human Genetics Tuebingen Variant Classification Criteria Version 2. Collection method: clinical testing. Allele origin: germline. Affected: yes. Observed: 1 variant allele.
Comment: AGO2: BP4